The following is an entry in ClinVar:

ClinVar aggregate classification (germline): Pathogenic. Review status: criteria provided, multiple submitters, no conflicts (2 of 4 stars). 5 submissions from 5 submitters: Pathogenic (4). 1 of the submissions does not count toward it. Last evaluated 2025-03-04.

Conditions:
Familial adenomatous polyposis 1 (FAP1). Also called: FAMILIAL ADENOMATOUS POLYPOSIS 1, ATTENUATED; POLYPOSIS, ADENOMATOUS INTESTINAL. Identifiers: MedGen C2713442, MONDO:0021056, OMIM 175100. Disease mechanism: loss of function.
Hereditary cancer-predisposing syndrome. Also called: Tumor predisposition; Hereditary Cancer Syndrome; Hereditary neoplastic syndrome; Neoplastic Syndromes, Hereditary. Identifiers: Orphanet 140162, MedGen C0027672, MeSH D009386, MONDO:0015356.

Submissions (5):

Molecular Diagnostics Laboratory, Catalan Institute of Oncology
Classification: Pathogenic for Hereditary cancer-predisposing syndrome. Last evaluated: 2025-03-04. Review status: criteria provided, single submitter. Criteria: ClinGen ACMG Specifications APC V1.0.0. Collection method: clinical testing. Allele origin: germline.
Comment: PVS1, PS4_Supporting, PM2_Supporting c.1879_1882del, located in exon 15 of the APC gene, consists in the deletion of four nucleotides, causing a translational frameshift with a predicted alternate stop codon (p.(Asn627Leufs*2)). This alteration is expected to result in loss of function by premature protein truncation before codon 2645 (PVS1). Additional effects are not predicted on splicing by SpliceAI. The variant is not present in the population database gnomAD v4.1.0 (PM2_supporting). To our knowledge, no functional studies have been reported for this variant. Three asymptomatic at-risk relatives of the patient have also been tested and are not carriers so it appears that the variant cosegregates with the disease (PMID: 9067764) (PS4_supporting). This variant has been reported in the ClinVar (4x) and LOVD (1x) databases as a pathogenic variant. Based on the currently available information, c.1879_1882del is classified as a pathogenic variant according to ClinGen-APC Guidelines version 2.1.

Labcorp Genetics (formerly Invitae), Labcorp
Classification: Pathogenic for Familial adenomatous polyposis 1. Last evaluated: 2024-02-05. Review status: criteria provided, single submitter. Criteria: Invitae Variant Classification Sherloc (09022015). Collection method: clinical testing. Allele origin: germline.
Comment: This sequence change creates a premature translational stop signal (p.Asn627Leufs*2) in the APC gene. It is expected to result in an absent or disrupted protein product. Loss-of-function variants in APC are known to be pathogenic (PMID: 17963004, 20685668). This variant is not present in population databases (gnomAD no frequency). This premature translational stop signal has been observed in individual(s) with familial adenomatous polyposis (PMID: 8381580, 9067764, 19029688, 20685668). This variant is also known as 1879del4. ClinVar contains an entry for this variant (Variation ID: 411536). RNA analysis performed to evaluate the impact of this premature translational stop signal on mRNA splicing indicates it does not significantly alter splicing (Invitae). For these reasons, this variant has been classified as Pathogenic.

Myriad Genetics, Inc.
Classification: Pathogenic for Familial adenomatous polyposis 1. Last evaluated: 2023-05-03. Review status: criteria provided, single submitter. Criteria: Myriad Autosomal Dominant, Autosomal Recessive and X-Linked Classification Criteria (2023). Collection method: clinical testing. Allele origin: unknown.
Comment: This variant is considered pathogenic. This variant creates a frameshift predicted to result in premature protein truncation.

Ambry Genetics
Classification: Pathogenic for Hereditary cancer-predisposing syndrome. Last evaluated: 2017-04-05. Review status: criteria provided, single submitter. Criteria: Ambry Variant Classification Scheme 2023. Collection method: clinical testing. Allele origin: germline.
Comment: The c.1879_1882delAACA pathogenic mutation, located in coding exon 14 of the APC gene, results from a deletion of 4 nucleotides at nucleotide positions 1879 to 1882, causing a translational frameshift with a predicted alternate stop codon (p.N627Lfs*2). This alteration has been previously reported in an Italian familial adenomatous polyposis (FAP) family (Scarano MI et al. Hum. Mutat., 1997;9:191-3). In addition to the clinical data presented in the literature, this alteration is expected to result in loss of function by premature protein truncation or nonsense-mediated mRNA decay. As such, this alteration is interpreted as a disease-causing mutation.

Mayo Clinic Laboratories, Mayo Clinic
Classification: Pathogenic. Review status: no assertion criteria provided. Collection method: clinical testing. Allele origin: unknown. Not counted in ClinVar's aggregate classification.

Literature cited by the submitters: PubMed 17963004 (cited by Labcorp Genetics (formerly Invitae), Labcorp); PubMed 20685668 (cited by Labcorp Genetics (formerly Invitae), Labcorp); PubMed 8381580 (cited by Labcorp Genetics (formerly Invitae), Labcorp); PubMed 9067764 (cited by Labcorp Genetics (formerly Invitae), Labcorp and Ambry Genetics); PubMed 19029688 (cited by Labcorp Genetics (formerly Invitae), Labcorp); PubMed 24233542 (cited by Ambry Genetics).

NM_000038.6(APC):c.1879_1882del (p.Asn627fs)

Gene: APC (APC regulator of Wnt signaling pathway; plus strand). Cytogenetic location: 5q22.2.
Variant type: Deletion.
Coding change: c.1879_1882del on transcript NM_000038.6 (MANE Select); coding-DNA positions 1879 to 1882, 4 bases deleted (AACA; older notation c.1879_1882delAACA).
Protein change: p.Asn627fs; shifts the reading frame from asparagine 627.
Molecular consequence: frameshift variant.
Genome position (GRCh38, 1-based): chr5:112,835,086-112,835,089, AACA deleted; deleting any 4 consecutive bases within chr5:112,835,083-112,835,089 gives the same sequence; the c. name uses the placement nearest the transcript's 3' end. VCF-style (leftmost placement, unchanged base first): chr5-112835082-GACAA-G. GRCh37 (hg19) VCF-style: chr5-112170779-GACAA-G.
Other names: c.1879_1882del, p.Asn627fs (NM_001127510.3, NM_001354895.2); c.1909_1912del, p.Asn637fs (NM_001354897.2); c.1825_1828del, p.Asn609fs (NM_001127511.3); c.1933_1936del, p.Asn645fs (NM_001354896.2); c.1804_1807del, p.Asn602fs (NM_001354898.2); c.1795_1798del, p.Asn599fs (NM_001354899.2); c.1756_1759del, p.Asn586fs (NM_001354900.2); c.1702_1705del, p.Asn568fs (NM_001354901.2); and 5 more; short protein forms N501fs, N609fs, N645fs, N536fs, N627fs, N344fs, N526fs, N599fs.
Identifiers: ClinVar variation 411536 (VCV000411536.49), dbSNP rs1060503360, ClinGen allele CA16611772.